The following is an entry in ClinVar:

NM_001378609.3(OTOGL):c.6494C>A (p.Ser2165Ter)

Gene: OTOGL (otogelin like; plus strand). Cytogenetic location: 12q21.31.
Variant type: single nucleotide variant.
Coding change: c.6494C>A on transcript NM_001378609.3 (MANE Select); coding-DNA position 6494, C replaced by A.
Protein change: p.Ser2165Ter; replaces serine 2165 with a stop codon.
Molecular consequence: nonsense.
Genome position (GRCh38, 1-based): chr12:80,367,723, C>A. VCF-style: chr12-80367723-C-A. GRCh37 (hg19) VCF-style: chr12-80761503-C-A.
Other names: c.6359C>A, p.Ser2120Ter (NM_001368062.3); c.6494C>A, p.Ser2165Ter (NM_001378610.3, NM_173591.7); short protein forms S2120*, S2165*.
Identifiers: ClinVar variation 2446560 (VCV002446560.8), dbSNP rs537664532, ClinGen allele CA6702047.

ClinVar aggregate classification (germline): Pathogenic/Likely pathogenic. Review status: criteria provided, multiple submitters, no conflicts (2 of 4 stars). 5 submissions from 5 submitters: Pathogenic (4); Likely pathogenic (1). Last evaluated 2026-01-15.

Conditions:
Autosomal recessive nonsyndromic hearing loss 84B. Also called: Deafness, autosomal recessive 84b. Identifiers: Orphanet 90636, MedGen C3554159, MONDO:0013984, OMIM 614944.

Allele frequency attached by ClinVar (database versions not stated): gnomAD exomes 0.00002; TOPMed 0.00003; gnomAD 0.00006; 1000 Genomes Project 30x 0.00016; 1000 Genomes Project 0.00020; ExAC 0.00026.
gnomAD v4.1: 33 of 1,413,500 alleles (0.0023%); highest among the groups gnomAD compares: East Asian, 0.065%; no homozygotes.

Submissions (5):

3billion
Classification: Pathogenic for Autosomal recessive nonsyndromic hearing loss 84B. Last evaluated: 2026-01-15. Review status: criteria provided, single submitter. Criteria: ACMG Guidelines, 2015. Collection method: clinical testing. Allele origin: germline. Affected: yes.
Comment: The variant is observed at an extremely low frequency in the gnomAD v4.1.0 dataset (total allele frequency: 0.002%). Predicted Consequence/Location: Stop-gained (nonsense): predicted to result in a loss or disruption of normal protein function through nonsense-mediated decay (NMD) or protein truncation. Multiple pathogenic variants are reported downstream of the variant. The variant has been reported at least twice as pathogenic with clinical assertions and evidence for the classification (ClinVar ID: VCV002446560 /PMID: 25829320). Therefore, this variant is classified as Pathogenic according to the recommendation of ACMG/AMP guideline.

Variantyx, Inc.
Classification: Pathogenic for Autosomal recessive nonsyndromic hearing loss 84B. Last evaluated: 2025-08-27. Review status: criteria provided, single submitter. Criteria: Variantyx Assertion Criteria 2022. Collection method: clinical testing. Allele origin: germline. Inheritance: Autosomal recessive inheritance.
Comment: This is a nonsense variant in the OTOGL gene (OMIM: 614925). Pathogenic variants in this gene have been associated with autosomal recessive deafness 84B. This variant introduces a premature termination codon in exon 54 out of 59 and is expected to result in loss of function, which is a known disease mechanism for OTOGL in this disorder (PMID: 25829320) (PVS1). This variant has been identified in the homozygous or compound heterozygous state in at least one individual reported in the published literature (PMID: 25829320) (PM3). It has a 0.0648% maximum allele frequency in non-founder control populations (PM2). Based on the current evidence, this variant is classified as pathogenic for autosomal recessive deafness 84B.

Labcorp Genetics (formerly Invitae), Labcorp
Classification: Pathogenic. Last evaluated: 2025-06-03. Review status: criteria provided, single submitter. Criteria: Invitae Variant Classification Sherloc (09022015). Collection method: clinical testing. Allele origin: germline.
Comment: This sequence change creates a premature translational stop signal (p.Ser2156*) in the OTOGL gene. It is expected to result in an absent or disrupted protein product. Loss-of-function variants in OTOGL are known to be pathogenic (PMID: 23122586). The frequency data for this variant in the population databases is considered unreliable, as metrics indicate poor data quality at this position in the gnomAD database. This premature translational stop signal has been observed in individual(s) with hearing loss (PMID: 25829320). ClinVar contains an entry for this variant (Variation ID: 2446560). For these reasons, this variant has been classified as Pathogenic.

GeneDx
Classification: Likely pathogenic. Last evaluated: 2023-03-30. Review status: criteria provided, single submitter. Criteria: GeneDx Variant Classification Process June 2021. Collection method: clinical testing. Allele origin: germline. Affected: yes.
Comment: Reported with a second variant on the opposite allele (in trans) in a family with hearing loss in published literature (Gu et al., 2015); Nonsense variant predicted to result in protein truncation or nonsense mediated decay in a gene for which loss of function is a known mechanism of disease; This variant is associated with the following publications: (PMID: 28426234, 25829320)

Juno Genomics, Hangzhou Juno Genomics, Inc
Classification: Pathogenic for Autosomal recessive nonsyndromic hearing loss 84B. Review status: criteria provided, single submitter. Criteria: ACMG Guidelines, 2015. Collection method: clinical testing. Allele origin: germline.
Comment: Null variant in a gene where loss of function (LOF) is a known mechanism of disease.;For recessive disorders, detected in trans with a pathogenic variant.;Co-segregation with disease in multiple affected family members.

Literature cited by the submitters: PubMed 25829320 (cited by 3 submitters); PubMed 23122586 (cited by Labcorp Genetics (formerly Invitae), Labcorp).